The following is an entry in ClinVar:

ClinVar aggregate classification (germline): Uncertain significance (1 of 4 stars; one submission).

Submission:

GeneDx
Classification: Uncertain significance. Last evaluated: 2025-08-08. Review status: criteria provided, single submitter. Criteria: GeneDx Variant Classification Process June 2021. Collection method: clinical testing. Allele origin: germline. Affected: yes.
Comment: Not observed at significant frequency in large population cohorts (gnomAD); In silico analysis suggests that this missense variant does not alter protein structure/function; Has not been previously published as pathogenic or benign to our knowledge

NM_001039591.3(USP9X):c.4795A>G (p.Met1599Val)

Gene: USP9X (ubiquitin specific peptidase 9 X-linked; plus strand). Cytogenetic location: Xp11.4.
Variant type: single nucleotide variant.
Coding change: c.4795A>G on transcript NM_001039591.3 (MANE Select); coding-DNA position 4795, A replaced by G.
Protein change: p.Met1599Val; replaces methionine 1599 with valine.
Molecular consequence: missense variant.
Genome position (GRCh38, 1-based): chrX:41,201,251, A>G. VCF-style: chrX-41201251-A-G. GRCh37 (hg19) VCF-style: chrX-41060504-A-G.
Other names: c.4795A>G, p.Met1599Val (NM_001039590.3); c.4810A>G, p.Met1604Val (NM_001410748.1, NM_001410749.1, NM_001437534.1); short protein forms M1599V, M1604V.
Identifiers: ClinVar variation 4755639 (VCV004755639.1).